The following is an entry in ClinVar:

ClinVar aggregate classification (germline): Uncertain significance (1 of 4 stars; one submission).

Conditions:
Cohen syndrome (COH1). Also called: Cutis verticis gyrata, retinitis pigmentosa, and sensorineural deafness; PEPPER SYNDROME. Identifiers: Orphanet 193, MedGen C0265223, MONDO:0008999, OMIM 216550.

Allele frequency attached by ClinVar (database versions not stated): TOPMed below 0.00001.

Submission:

Labcorp Genetics (formerly Invitae), Labcorp
Classification: Uncertain significance for Cohen syndrome. Last evaluated: 2022-05-19. Review status: criteria provided, single submitter. Criteria: Invitae Variant Classification Sherloc (09022015). Collection method: clinical testing. Allele origin: germline.
Comment: This sequence change replaces asparagine, which is neutral and polar, with lysine, which is basic and polar, at codon 2957 of the VPS13B protein (p.Asn2957Lys). This variant is not present in population databases (gnomAD no frequency). This variant has not been reported in the literature in individuals affected with VPS13B-related conditions. Algorithms developed to predict the effect of missense changes on protein structure and function are either unavailable or do not agree on the potential impact of this missense change (SIFT: "Not Available"; PolyPhen-2: "Benign"; Align-GVGD: "Not Available"). In summary, the available evidence is currently insufficient to determine the role of this variant in disease. Therefore, it has been classified as a Variant of Uncertain Significance.

NM_152564.5(VPS13B):c.8796T>A (p.Asn2932Lys)

Gene: VPS13B (vacuolar protein sorting 13 homolog B; plus strand). Cytogenetic location: 8q22.2.
Variant type: single nucleotide variant.
Coding change: c.8796T>A on transcript NM_152564.5 (MANE Select); coding-DNA position 8796, T replaced by A.
Protein change: p.Asn2932Lys; replaces asparagine 2932 with lysine.
Molecular consequence: missense variant.
Genome position (GRCh38, 1-based): chr8:99,819,924, T>A. VCF-style: chr8-99819924-T-A. GRCh37 (hg19) VCF-style: chr8-100832152-T-A.
Other names: c.8871T>A, p.Asn2957Lys (NM_017890.5); short protein forms N2932K, N2957K.
Identifiers: ClinVar variation 2201573 (VCV002201573.1), dbSNP rs1814270562, ClinGen allele CA371776823.